The following is an entry in ClinVar:

NM_001041.4(SI):c.33C>G (p.Ile11Met)

Gene: SI (sucrase-isomaltase; minus strand). Cytogenetic location: 3q26.1.
Variant type: single nucleotide variant.
Coding change: c.33C>G on transcript NM_001041.4 (MANE Select); coding-DNA position 33, C replaced by G.
Protein change: p.Ile11Met; replaces isoleucine 11 with methionine.
Molecular consequence: missense variant.
Genome position (GRCh38, 1-based): chr3:165,075,980, G>C on the plus strand (C>G on the coding strand, the complement: SI is on the minus strand). VCF-style: chr3-165075980-G-C. GRCh37 (hg19) VCF-style: chr3-164793768-G-C.
Other names: short protein forms I11M.
Identifiers: ClinVar variation 1520108 (VCV001520108.8), dbSNP rs2108117951, ClinGen allele CA355038532.

ClinVar aggregate classification (germline): Uncertain significance (1 of 4 stars; one submission).

Allele frequency attached by ClinVar (database versions not stated): gnomAD exomes below 0.00001.
gnomAD v4.1: 1 of 1,591,904 alleles (0.000063%); highest among the groups gnomAD compares: Non-Finnish European, 0.000086%; no homozygotes.

Submission:

Labcorp Genetics (formerly Invitae), Labcorp
Classification: Uncertain significance. Last evaluated: 2021-03-26. Review status: criteria provided, single submitter. Criteria: Invitae Variant Classification Sherloc (09022015). Collection method: clinical testing. Allele origin: germline.
Comment: This sequence change replaces isoleucine with methionine at codon 11 of the SI protein (p.Ile11Met). The isoleucine residue is moderately conserved and there is a small physicochemical difference between isoleucine and methionine. This variant is not present in population databases (ExAC no frequency). This variant has not been reported in the literature in individuals with SI-related conditions. Algorithms developed to predict the effect of missense changes on protein structure and function are either unavailable or do not agree on the potential impact of this missense change (SIFT: "Deleterious"; PolyPhen-2: "Probably Damaging"; Align-GVGD: "Class C0"). In summary, the available evidence is currently insufficient to determine the role of this variant in disease. Therefore, it has been classified as a Variant of Uncertain Significance.